The following is an entry in ClinVar:

NM_000226.4(KRT9):c.1407A>T (p.Gly469=)

Gene: KRT9 (keratin 9; minus strand). Cytogenetic location: 17q21.2.
Variant type: single nucleotide variant.
Coding change: c.1407A>T on transcript NM_000226.4 (MANE Select); coding-DNA position 1407, A replaced by T.
Protein change: p.Gly469=; no amino-acid change (glycine 469 retained).
Molecular consequence: synonymous variant.
Genome position (GRCh38, 1-based): chr17:41,567,738, T>A on the plus strand (A>T on the coding strand, the complement: KRT9 is on the minus strand). VCF-style: chr17-41567738-T-A. GRCh37 (hg19) VCF-style: chr17-39723990-T-A.
Identifiers: ClinVar variation 323120 (VCV000323120.18), dbSNP rs3890472, ClinGen allele CA8561930.

ClinVar aggregate classification (germline): Benign. Review status: criteria provided, multiple submitters, no conflicts (2 of 4 stars). 5 submissions from 5 submitters: Benign (5). Last evaluated 2026-02-04.

Conditions:
Palmoplantar keratoderma, epidermolytic. Also called: Localized epidermolytic hyperkeratosis. Identifiers: MedGen C1721006, MONDO:0968949, HP:0007559.

Allele frequency attached by ClinVar (database versions not stated): ESP Exome Variant Server 0.49892; gnomAD 0.53384 and 0.54590; TOPMed 0.54189; ExAC 0.62414; gnomAD exomes 0.63398; 1000 Genomes Project 30x 0.63429; 1000 Genomes Project 0.64736.

Submissions (5):

Labcorp Genetics (formerly Invitae), Labcorp
Classification: Benign. Last evaluated: 2026-02-04. Review status: criteria provided, single submitter. Criteria: Invitae Variant Classification Sherloc (09022015). Collection method: clinical testing. Allele origin: germline.

Genome-Nilou Lab
Classification: Benign for Epidermolytic palmoplantar keratoderma, 1. Last evaluated: 2021-08-19. Review status: criteria provided, single submitter. Criteria: ACMG Guidelines, 2015. Collection method: clinical testing. Allele origin: germline. Affected: no.

GeneDx
Classification: Benign. Last evaluated: 2021-05-04. Review status: criteria provided, single submitter. Criteria: GeneDx Variant Classification Process June 2021. Collection method: clinical testing. Allele origin: germline. Affected: yes.

Illumina Laboratory Services, Illumina
Classification: Benign for Epidermolytic palmoplantar keratoderma, 1. Last evaluated: 2018-01-13. Review status: criteria provided, single submitter. Criteria: ICSL Variant Classification Criteria 13 December 2019. Collection method: clinical testing. Allele origin: germline.
Comment: This variant was observed in the ICSL laboratory as part of a predisposition screen in an ostensibly healthy population. It had not been previously curated by ICSL or reported in the Human Gene Mutation Database (HGMD: prior to June 1st, 2018), and was therefore a candidate for classification through an automated scoring system. Utilizing variant allele frequency, disease prevalence and penetrance estimates, and inheritance mode, an automated score was calculated to assess if this variant is too frequent to cause the disease. Based on the score and internal cut-off values, a variant classified as benign is not then subjected to further curation. The score for this variant resulted in a classification of benign for this disease.

Breakthrough Genomics
Classification: Benign. Review status: criteria provided, single submitter. Criteria: ACMG Guidelines, 2015. Collection method: not provided. Allele origin: germline. Inheritance: Autosomal dominant inheritance. Affected: yes.